The following is an entry in ClinVar:

ClinVar aggregate classification (germline): Uncertain significance (1 of 4 stars; one submission).

Conditions:
Ataxia-telangiectasia syndrome (AT). Also called: Ataxia-telangiectasia; LOUIS-BAR SYNDROME; Ataxia-telangiectasia, complementation group D; AT, COMPLEMENTATION GROUP C; ATAXIA-TELANGIECTASIA, COMPLEMENTATION GROUP A; ATAXIA-TELANGIECTASIA, FRESNO VARIANT. Identifiers: Orphanet 100, MedGen C0004135, MONDO:0008840, OMIM 208900.

Submission:

Labcorp Genetics (formerly Invitae), Labcorp
Classification: Uncertain significance for Ataxia-telangiectasia syndrome. Last evaluated: 2021-02-06. Review status: criteria provided, single submitter. Criteria: Invitae Variant Classification Sherloc (09022015). Collection method: clinical testing. Allele origin: germline.
Comment: This sequence change replaces glycine with serine at codon 2917 of the ATM protein (p.Gly2917Ser). The glycine residue is highly conserved and there is a small physicochemical difference between glycine and serine. In summary, the available evidence is currently insufficient to determine the role of this variant in disease. Therefore, it has been classified as a Variant of Uncertain Significance. Advanced modeling of protein sequence and biophysical properties (such as structural, functional, and spatial information, amino acid conservation, physicochemical variation, residue mobility, and thermodynamic stability) performed at Invitae indicates that this missense variant is expected to disrupt ATM protein function. This variant has not been reported in the literature in individuals with ATM-related conditions. This variant is not present in population databases (ExAC no frequency).

NM_000051.4(ATM):c.8749G>A (p.Gly2917Ser)

Genes: ATM (ATM serine/threonine kinase; plus strand), C11orf65 (chromosome 11 open reading frame 65; minus strand). Cytogenetic location: 11q22.3.
Variant type: single nucleotide variant.
Coding change: c.8749G>A on transcript NM_000051.4 (MANE Select); coding-DNA position 8749, G replaced by A.
Protein change: p.Gly2917Ser; replaces glycine 2917 with serine.
Molecular consequence: missense variant. On other transcripts: intron variant (2).
Genome position (GRCh38, 1-based): chr11:108,353,843, G>A. VCF-style: chr11-108353843-G-A. GRCh37 (hg19) VCF-style: chr11-108224570-G-A.
Other names: c.8749G>A, p.Gly2917Ser (NM_001351834.2); c.640+32077C>T (NM_001330368.2); c.695-18551C>T (NM_001351110.2); short protein forms G2917S.
Identifiers: ClinVar variation 1429435 (VCV001429435.8), dbSNP rs2137293373, ClinGen allele CA382524043.
Genomic context (GRCh38, chr11:108,353,843, plus strand): 5'-GGCAAAATCCTTCCTACTCCTGAGACAGTTCCTTTTAGACTCACCAGAGATATTGTGGAT[G>A]GCATGGGCATTACGGGTGTTGAAGGTGTCTTCAGAAGGTAAGTGATATGAAGTAAAGGAG-3'
Protein context (NP_000042.3, residues 2907-2927): PFRLTRDIVD[Gly2917Ser]MGITGVEGVF